The following is an entry in ClinVar:

NM_002528.7(NTHL1):c.634A>C (p.Lys212Gln)

Gene: NTHL1 (nth like DNA glycosylase 1; minus strand). Cytogenetic location: 16p13.3.
Variant type: single nucleotide variant.
Coding change: c.634A>C on transcript NM_002528.7 (MANE Select); coding-DNA position 634, A replaced by C.
Protein change: p.Lys212Gln; replaces lysine 212 with glutamine.
Molecular consequence: missense variant.
Genome position (GRCh38, 1-based): chr16:2,043,618, T>G on the plus strand (A>C on the coding strand, the complement: NTHL1 is on the minus strand). VCF-style: chr16-2043618-T-G. GRCh37 (hg19) VCF-style: chr16-2093619-T-G.
Other names: c.463A>C, p.Lys155Gln (NM_001318193.2); c.304A>C, p.Lys102Gln (NM_001318194.2); short protein forms K102Q, K155Q, K212Q.
Identifiers: ClinVar variation 1386054 (VCV001386054.10), dbSNP rs1247089981, ClinGen allele CA394291280.

ClinVar aggregate classification (germline): Conflicting classifications of pathogenicity. Review status: criteria provided, conflicting classifications (1 of 4 stars). 3 submissions from 3 submitters: Likely pathogenic (1); Uncertain significance (2). Last evaluated 2025-09-02.

Conditions:
Familial adenomatous polyposis 3. Also called: NTHL1-Related Adenomatous Polyposis and Colorectal Cancer; NTHL1-associated polyposis; NTHL1-related attenuated familial adenomatous polyposis; NTHL1 Tumor Syndrome. Identifiers: Orphanet 220460, Orphanet 454840, MedGen C4225157, MONDO:0014630, OMIM 616415.
Hereditary cancer-predisposing syndrome. Also called: Tumor predisposition; Neoplastic Syndromes, Hereditary; Hereditary Cancer Syndrome; Hereditary neoplastic syndrome. Identifiers: Orphanet 140162, MedGen C0027672, MeSH D009386, MONDO:0015356.

Allele frequency attached by ClinVar (database versions not stated): gnomAD exomes below 0.00001; TOPMed below 0.00001.
gnomAD v4.1: 1 of 1,610,716 alleles (0.000062%); highest among the groups gnomAD compares: Non-Finnish European, 0.000085%; no homozygotes.

Submissions (3):

Labcorp Genetics (formerly Invitae), Labcorp
Classification: Uncertain significance. Last evaluated: 2025-09-02. Review status: criteria provided, single submitter. Criteria: Invitae Variant Classification Sherloc (09022015). Collection method: clinical testing. Allele origin: germline.
Comment: This sequence change replaces lysine, which is basic and polar, with glutamine, which is neutral and polar, at codon 220 of the NTHL1 protein (p.Lys220Gln). This variant is present in population databases (no rsID available, gnomAD 0.0009%). This variant has not been reported in the literature in individuals affected with NTHL1-related conditions. This variant is also known as K212Q. ClinVar contains an entry for this variant (Variation ID: 1386054). An algorithm developed to predict the effect of missense changes on protein structure and function (PolyPhen-2) suggests that this variant is likely to be disruptive. Experimental studies have shown that this missense change affects NTHL1 function (PMID: 9705289, 29522130, 30552997). In summary, the available evidence is currently insufficient to determine the role of this variant in disease. Therefore, it has been classified as a Variant of Uncertain Significance.

Ambry Genetics
Classification: Uncertain significance for Hereditary cancer-predisposing syndrome. Last evaluated: 2024-05-05. Review status: criteria provided, single submitter. Criteria: Ambry Variant Classification Scheme 2023. Collection method: clinical testing. Allele origin: germline.
Comment: The p.K220Q variant (also known as c.658A>C), located in coding exon 4 of the NTHL1 gene, results from an A to C substitution at nucleotide position 658. The lysine at codon 220 is replaced by glutamine, an amino acid with similar properties. This amino acid position is highly conserved in available vertebrate species. In addition, this alteration is predicted to be deleterious by in silico analysis. Since supporting evidence is limited at this time, the clinical significance of this alteration remains unclear.

Myriad Genetics, Inc.
Classification: Likely pathogenic for Familial adenomatous polyposis 3. Last evaluated: 2023-09-05. Review status: criteria provided, single submitter. Criteria: Myriad Autosomal Dominant, Autosomal Recessive and X-Linked Classification Criteria (2023). Collection method: clinical testing. Allele origin: unknown.
Comment: This variant is considered likely pathogenic. Functional studies indicate this variant impacts protein function [PMID: 9705289, 30552997].

Literature cited by the submitters: PubMed 9705289 (cited by Labcorp Genetics (formerly Invitae), Labcorp and Myriad Genetics, Inc.); PubMed 29522130 (cited by Labcorp Genetics (formerly Invitae), Labcorp); PubMed 30552997 (cited by Labcorp Genetics (formerly Invitae), Labcorp and Myriad Genetics, Inc.).